The following is an entry in ClinVar:

ClinVar aggregate classification (germline): Likely benign. Review status: criteria provided, multiple submitters, no conflicts (2 of 4 stars). 3 submissions from 3 submitters: Likely benign (3). Last evaluated 2024-12-12.

Conditions:
Inborn genetic diseases. Identifiers: MedGen C0950123, MeSH D030342.

Allele frequency attached by ClinVar (database versions not stated): gnomAD 0.00003 and 0.00004; ExAC 0.00004; TOPMed 0.00005; ESP Exome Variant Server 0.00008; gnomAD exomes 0.00002.
gnomAD v4.1: 37 of 1,614,110 alleles (0.0023%); highest among the groups gnomAD compares: Non-Finnish European, 0.0031%; no homozygotes.

Submissions (3):

Labcorp Genetics (formerly Invitae), Labcorp
Classification: Likely benign. Last evaluated: 2024-12-12. Review status: criteria provided, single submitter. Criteria: Invitae Variant Classification Sherloc (09022015). Collection method: clinical testing. Allele origin: germline.

Ambry Genetics
Classification: Likely benign for Inborn genetic diseases. Last evaluated: 2023-06-06. Review status: criteria provided, single submitter. Criteria: Ambry Variant Classification Scheme 2023. Collection method: clinical testing. Allele origin: germline.

GeneDx
Classification: Likely benign. Last evaluated: 2016-08-11. Review status: criteria provided, single submitter. Criteria: GeneDx Variant Classification (06012015). Collection method: clinical testing. Allele origin: germline. Affected: yes.
Comment: This variant is considered likely benign or benign based on one or more of the following criteria: it is a conservative change, it occurs at a poorly conserved position in the protein, it is predicted to be benign by multiple in silico algorithms, and/or has population frequency not consistent with disease.

NM_182476.3(COQ6):c.1299C>G (p.Leu433=)

Genes: COQ6 (coenzyme Q6, monooxygenase; plus strand), ENTPD5 (ectonucleoside triphosphate diphosphohydrolase 5; minus strand). Cytogenetic location: 14q24.3.
Variant type: single nucleotide variant.
Coding change: c.1299C>G on transcript NM_182476.3 (MANE Select); coding-DNA position 1299, C replaced by G.
Protein change: p.Leu433=; no amino-acid change (leucine 433 retained).
Molecular consequence: synonymous variant. On other transcripts: intron variant (7).
Genome position (GRCh38, 1-based): chr14:73,961,825, C>G. VCF-style: chr14-73961825-C-G. GRCh37 (hg19) VCF-style: chr14-74428528-C-G.
Other names: c.1191C>G, p.Leu397= (NM_001425256.1); c.1134C>G, p.Leu378= (NM_001425257.1); c.1116C>G, p.Leu372= (NM_001425258.1); c.1074C>G, p.Leu358= (NM_001425259.1, NM_001425260.1, NM_001425261.1); c.1044C>G, p.Leu348= (NM_001425262.1); c.972C>G, p.Leu324= (NM_001425263.1); c.759C>G, p.Leu253= (NM_001425264.1, NM_001425265.1); c.1224C>G, p.Leu408= (NM_182480.3); and 5 more.
Identifiers: ClinVar variation 388408 (VCV000388408.8), dbSNP rs368715695, ClinGen allele CA7264497.